The following is an entry in ClinVar:

ClinVar aggregate classification (germline): Likely benign. Review status: criteria provided, single submitter (1 of 4 stars). 2 submissions from 2 submitters: Likely benign (1). 1 of the submissions does not count toward it. Last evaluated 2025-11-18.

Conditions:
Encephalopathy, acute, infection-induced (herpes-specific), susceptibility to, 6. Also called: Herpes simplex encephalitis, susceptibility to, 4. Identifiers: Orphanet 1930, MedGen C3553869, MONDO:0013921, OMIM 614850.
TICAM1-related disorder. Also called: TICAM1-related condition.

Allele frequency attached by ClinVar (database versions not stated): gnomAD exomes 0.00015 and 0.00005; gnomAD 0.00018 and 0.00019; ExAC 0.00007; ESP Exome Variant Server 0.00015; TOPMed 0.00021.
gnomAD v4.1: 103 of 1,584,034 alleles (0.0065%); highest among the groups gnomAD compares: Admixed American, 0.086%; no homozygotes.

Submissions (2):

Labcorp Genetics (formerly Invitae), Labcorp
Classification: Likely benign for Encephalopathy, acute, infection-induced (herpes-specific), susceptibility to, 6. Last evaluated: 2025-11-18. Review status: criteria provided, single submitter. Criteria: Invitae Variant Classification Sherloc (09022015). Collection method: clinical testing. Allele origin: germline.

PreventionGenetics, part of Exact Sciences
Classification: Likely benign for TICAM1-related condition. Last evaluated: 2019-09-26. Review status: no assertion criteria provided. Collection method: clinical testing. Allele origin: germline. Not counted in ClinVar's aggregate classification.
Comment: This variant is classified as likely benign based on ACMG/AMP sequence variant interpretation guidelines (Richards et al. 2015 PMID: 25741868, with internal and published modifications).

NM_182919.4(TICAM1):c.732C>T (p.Pro244=)

Gene: TICAM1 (TIR domain containing adaptor molecule 1; minus strand). Cytogenetic location: 19p13.3.
Variant type: single nucleotide variant.
Coding change: c.732C>T on transcript NM_182919.4 (MANE Select); coding-DNA position 732, C replaced by T.
Protein change: p.Pro244=; no amino-acid change (proline 244 retained).
Molecular consequence: synonymous variant.
Genome position (GRCh38, 1-based): chr19:4,817,646, G>A on the plus strand (C>T on the coding strand, the complement: TICAM1 is on the minus strand). VCF-style: chr19-4817646-G-A. GRCh37 (hg19) VCF-style: chr19-4817658-G-A.
Other names: c.732C>T (NM_182919.3); c.690C>T, p.Pro230= (NM_001385678.1); c.597C>T, p.Pro199= (NM_001385679.1); c.90C>T, p.Pro30= (NM_001385680.1).
Identifiers: ClinVar variation 1089081 (VCV001089081.11), dbSNP rs375880539, ClinGen allele CA9105290.
Genomic context (GRCh38, chr19:4,817,646, plus strand): 5'-TGGGCTGGCAATCTCCCCCGATGGCGGCCAGCTCATCTCCTCAGGCTCCTGGCAGCCACC[G>A]GGGACAGGCTCGGGCACCAAGCTGGCCTGGGGGTCGTCACAGAGCTTGCTGGGCCCATGT-3'
Protein context (NP_891549.1, residues 234-254): PQASLVPEPV[Pro244=]GGCQEPEEMS